The following is an entry in ClinVar:

ClinVar aggregate classification (germline): Uncertain significance (1 of 4 stars; one submission).

gnomAD v4.1: 1 of 1,613,556 alleles (0.000062%); no homozygotes.

Submission:

Labcorp Genetics (formerly Invitae), Labcorp
Classification: Uncertain significance. Last evaluated: 2024-11-25. Review status: criteria provided, single submitter. Criteria: Invitae Variant Classification Sherloc (09022015). Collection method: clinical testing. Allele origin: germline.
Comment: This sequence change replaces isoleucine, which is neutral and non-polar, with valine, which is neutral and non-polar, at codon 426 of the HGF protein (p.Ile426Val). This variant is not present in population databases (gnomAD no frequency). This variant has not been reported in the literature in individuals affected with HGF-related conditions. An algorithm developed to predict the effect of missense changes on protein structure and function (PolyPhen-2) suggests that this variant is likely to be tolerated. In summary, the available evidence is currently insufficient to determine the role of this variant in disease. Therefore, it has been classified as a Variant of Uncertain Significance.

NM_000601.6(HGF):c.1276A>G (p.Ile426Val)

Gene: HGF (hepatocyte growth factor; minus strand). Cytogenetic location: 7q21.11.
Variant type: single nucleotide variant.
Coding change: c.1276A>G on transcript NM_000601.6 (MANE Select); coding-DNA position 1276, A replaced by G.
Protein change: p.Ile426Val; replaces isoleucine 426 with valine.
Molecular consequence: missense variant.
Genome position (GRCh38, 1-based): chr7:81,717,361, T>C on the plus strand (A>G on the coding strand, the complement: HGF is on the minus strand). VCF-style: chr7-81717361-T-C. GRCh37 (hg19) VCF-style: chr7-81346677-T-C.
Other names: c.1261A>G, p.Ile421Val (NM_001010932.3); short protein forms I421V, I426V.
Identifiers: ClinVar variation 3616262 (VCV003616262.2).